The following is an entry in ClinVar:

NM_002838.5(PTPRC):c.2848-6_2848-4del

Gene: PTPRC (protein tyrosine phosphatase receptor type C; plus strand). Cytogenetic location: 1q32.1.
Variant type: Deletion.
Coding change: c.2848-6_2848-4del on transcript NM_002838.5 (MANE Select); 6 bases into the intron before coding-DNA position 2848 through 4 bases into the intron before coding-DNA position 2848, 3 bases deleted (TTT; older notation c.2848-6_2848-4delTTT).
Molecular consequence: intron variant.
Genome position (GRCh38, 1-based): chr1:198,748,103-198,748,105, TTT deleted; deleting any 3 consecutive bases within chr1:198,748,090-198,748,105 gives the same sequence; the c. name uses the placement nearest the transcript's 3' end. VCF-style (leftmost placement, unchanged base first): chr1-198748089-GTTT-G. GRCh37 (hg19) VCF-style: chr1-198717218-GTTT-G.
Other names: NC_000001.10:g.198717232_198717234del; c.2365-6_2365-4del (NM_080921.4); c.2848-6_2848-4delTTT (NM_002838.4).
Identifiers: ClinVar variation 4282708 (VCV004282708.3).

ClinVar aggregate classification (germline): Benign/Likely benign. Review status: criteria provided, multiple submitters, no conflicts (2 of 4 stars). 2 submissions from 2 submitters: Benign (1); Likely benign (1). Last evaluated 2026-06-25.

Conditions:
PTPRC-related disorder. Also called: PTPRC-related condition.

Submissions (3):

PreventionGenetics, part of Exact Sciences
Classification: Benign for PTPRC-related condition. Last evaluated: 2026-06-25. Review status: criteria provided, single submitter. Criteria: ACMG Guidelines, 2015. Collection method: clinical testing. Allele origin: germline.
Comment: This variant is classified as benign based on ACMG/AMP sequence variant interpretation guidelines (Richards et al. 2015 PMID: 25741868, with internal and published modifications).

Blueprint Genetics
Classification: Likely benign. Last evaluated: 2024-11-25. Review status: criteria provided, single submitter. Criteria: ACMG Guidelines, 2015. Collection method: clinical testing. Allele origin: germline.

Dr. Peter K. Rogan Lab, Western University
No classification provided (evidence only). Condition: Nonpapillary renal cell carcinoma. Review status: no classification provided. Collection method: in vitro. Allele origin: not applicable. Functional consequence: retained intron. Not counted in ClinVar's aggregate classification.